The following is an entry in ClinVar:

ClinVar aggregate classification (germline): Conflicting classifications of pathogenicity. Review status: criteria provided, conflicting classifications (1 of 4 stars). 2 submissions from 2 submitters: Uncertain significance (1); Likely benign (1). Last evaluated 2026-03-16.

Conditions:
Rubinstein-Taybi syndrome due to EP300 haploinsufficiency. Also called: EP300-Related Rubinstein-Taybi Syndrome; RUBINSTEIN-TAYBI SYNDROME 2. Identifiers: Orphanet 353284, Orphanet 783, MedGen C3150941, MONDO:0013364, OMIM 613684.
EP300-related disorder. Also called: EP300-related disorders; EP300-related condition.

Allele frequency attached by ClinVar (database versions not stated): gnomAD exomes below 0.00001 and 0.00001; ExAC 0.00001.
gnomAD v4.1: 6 of 1,613,340 alleles (0.00037%); highest among the groups gnomAD compares: South Asian, 0.0066%; no homozygotes.

Submissions (2):

PreventionGenetics, part of Exact Sciences
Classification: Uncertain significance for EP300-related condition. Last evaluated: 2026-03-16. Review status: criteria provided, single submitter. Criteria: ACMG Guidelines, 2015. Collection method: clinical testing. Allele origin: germline.
Comment: The EP300 c.1541T>C variant is predicted to result in the amino acid substitution p.Met514Thr. To our knowledge, this variant has not been reported in the literature. This variant is reported in 0.0033% of alleles in individuals of South Asian descent in gnomAD. At this time, the clinical significance of this variant is uncertain due to the absence of conclusive functional and genetic evidence.

Labcorp Genetics (formerly Invitae), Labcorp
Classification: Likely benign for Rubinstein-Taybi syndrome due to EP300 haploinsufficiency. Last evaluated: 2024-04-27. Review status: criteria provided, single submitter. Criteria: Invitae Variant Classification Sherloc (09022015). Collection method: clinical testing. Allele origin: germline.

NM_001429.4(EP300):c.1541T>C (p.Met514Thr)

Gene: EP300 (EP300 lysine acetyltransferase; plus strand). Cytogenetic location: 22q13.2.
Variant type: single nucleotide variant.
Coding change: c.1541T>C on transcript NM_001429.4 (MANE Select); coding-DNA position 1541, T replaced by C.
Protein change: p.Met514Thr; replaces methionine 514 with threonine.
Molecular consequence: missense variant.
Genome position (GRCh38, 1-based): chr22:41,135,825, T>C. VCF-style: chr22-41135825-T-C. GRCh37 (hg19) VCF-style: chr22-41531829-T-C.
Other names: c.1541T>C, p.Met514Thr (NM_001362843.2); short protein forms M514T.
Identifiers: ClinVar variation 857858 (VCV000857858.13), dbSNP rs758573292, ClinGen allele CA10252548.